The following is an entry in ClinVar:

ClinVar aggregate classification (germline): Uncertain significance (1 of 4 stars; one submission).

Submission:

Labcorp Genetics (formerly Invitae), Labcorp
Classification: Uncertain significance. Last evaluated: 2022-09-26. Review status: criteria provided, single submitter. Criteria: Invitae Variant Classification Sherloc (09022015). Collection method: clinical testing. Allele origin: germline.
Comment: A copy number gain of the genomic region encompassing the full coding sequence of the RS1 gene has been identified. The boundaries of this event are unknown as they extend beyond the assayed region for this gene and therefore may encompass additional genes. As the precise location of this event is unknown, it may be in tandem or it may be located elsewhere in the genome. This variant has not been reported in the literature in individuals affected with RS1-related conditions. In summary, the available evidence is currently insufficient to determine the role of this variant in disease. Therefore, it has been classified as a Variant of Uncertain Significance.

NC_000023.10:g.(?_18593454)_(19086952_?)dup

Genes: ADGRG2 (adhesion G protein-coupled receptor G2; minus strand), CDKL5 (cyclin dependent kinase like 5; plus strand), PHKA2 (phosphorylase kinase regulatory subunit alpha 2; minus strand), PPEF1 (protein phosphatase with EF-hand domain 1; plus strand), RS1 (retinoschisin 1; minus strand). Cytogenetic location: Xp22.13.
Variant type: Duplication.
Identifiers: ClinVar variation 2422906 (VCV002422906.3).